The following is an entry in ClinVar:

ClinVar aggregate classification (germline): Uncertain significance (1 of 4 stars; one submission).

Conditions:
DICER1-related tumor predisposition. Also called: DICER1 syndrome; DICER1-related pleuropulmonary blastoma cancer predisposition syndrome. Identifiers: Orphanet 284343, MedGen C3839822, MONDO:0100216.

Submission:

Labcorp Genetics (formerly Invitae), Labcorp
Classification: Uncertain significance for DICER1-related tumor predisposition. Last evaluated: 2025-07-14. Review status: criteria provided, single submitter. Criteria: Invitae Variant Classification Sherloc (09022015). Collection method: clinical testing. Allele origin: germline.
Comment: This sequence change replaces serine, which is neutral and polar, with leucine, which is neutral and non-polar, at codon 1826 of the DICER1 protein (p.Ser1826Leu). This variant is not present in population databases (gnomAD no frequency). This variant has not been reported in the literature in individuals affected with DICER1-related conditions. ClinVar contains an entry for this variant (Variation ID: 1505403). Invitae Evidence Modeling of protein sequence and biophysical properties (such as structural, functional, and spatial information, amino acid conservation, physicochemical variation, residue mobility, and thermodynamic stability) indicates that this missense variant is not expected to disrupt DICER1 protein function with a negative predictive value of 95%. In summary, the available evidence is currently insufficient to determine the role of this variant in disease. Therefore, it has been classified as a Variant of Uncertain Significance.

NM_177438.3(DICER1):c.5477C>T (p.Ser1826Leu)

Gene: DICER1 (dicer 1, ribonuclease III; minus strand). Cytogenetic location: 14q32.13.
Variant type: single nucleotide variant.
Coding change: c.5477C>T on transcript NM_177438.3 (MANE Select); coding-DNA position 5477, C replaced by T.
Protein change: p.Ser1826Leu; replaces serine 1826 with leucine.
Molecular consequence: missense variant. On other transcripts: intron variant (1).
Genome position (GRCh38, 1-based): chr14:95,091,253, G>A on the plus strand (C>T on the coding strand, the complement: DICER1 is on the minus strand). VCF-style: chr14-95091253-G-A. GRCh37 (hg19) VCF-style: chr14-95557590-G-A.
Other names: c.5477C>T, p.Ser1826Leu (NM_001271282.3, NM_001291628.2, NM_030621.4); c.5365-144C>T (NM_001195573.1); short protein forms S1826L.
Identifiers: ClinVar variation 1505403 (VCV001505403.9), dbSNP rs1595314576, ClinGen allele CA390864564.